The following is an entry in ClinVar:

ClinVar aggregate classification (germline): Pathogenic/Likely pathogenic. Review status: criteria provided, multiple submitters, no conflicts (2 of 4 stars). 2 submissions from 2 submitters: Pathogenic (1); Likely pathogenic (1). Last evaluated 2025-12-02.

Conditions:
Congenital dyserythropoietic anemia, type II (CDAN2). Also called: DYSERYTHROPOIETIC ANEMIA, HEMPAS TYPE. Identifiers: Orphanet 98873, MedGen C1306589, MONDO:0009134, OMIM 224100.
Cowden syndrome 7 (CWS7). Identifiers: Orphanet 201, MedGen C4225179, MONDO:0014802, OMIM 616858.

Submissions (2):

Labcorp Genetics (formerly Invitae), Labcorp
Classification: Pathogenic for Congenital dyserythropoietic anemia, type II; Cowden syndrome 7. Last evaluated: 2025-12-02. Review status: criteria provided, single submitter. Criteria: Invitae Variant Classification Sherloc (09022015). Collection method: clinical testing. Allele origin: germline.
Comment: This sequence change creates a premature translational stop signal (p.Arg554Aspfs*33) in the SEC23B gene. It is expected to result in an absent or disrupted protein product. Loss-of-function variants in SEC23B are known to be pathogenic (PMID: 19561605, 25044164). This variant is present in population databases (rs781770571, gnomAD 0.006%). This variant has not been reported in the literature in individuals affected with SEC23B-related conditions. ClinVar contains an entry for this variant (Variation ID: 2433272). For these reasons, this variant has been classified as Pathogenic.

Revvity Omics, Revvity
Classification: Likely pathogenic. Last evaluated: 2022-06-27. Review status: criteria provided, single submitter. Criteria: ACMG Guidelines, 2015. Collection method: clinical testing. Allele origin: germline.

Literature cited by the submitters: PubMed 19561605 (cited by Labcorp Genetics (formerly Invitae), Labcorp); PubMed 25044164 (cited by Labcorp Genetics (formerly Invitae), Labcorp).

NM_006363.6(SEC23B):c.1660del (p.Arg554fs)

Gene: SEC23B (SEC23 homolog B, COPII component; plus strand). Cytogenetic location: 20p11.23.
Variant type: Deletion.
Coding change: c.1660del on transcript NM_006363.6 (MANE Select); coding-DNA position 1660, one base deleted (C; older notation c.1660delC).
Protein change: p.Arg554fs; shifts the reading frame from arginine 554.
Molecular consequence: frameshift variant.
Genome position (GRCh38, 1-based): chr20:18,543,167, C deleted; the last of 2 consecutive C bases (chr20:18,543,166-18,543,167); deleting either gives the same sequence. VCF-style (leftmost placement, unchanged base first): chr20-18543165-TC-T. GRCh37 (hg19) VCF-style: chr20-18523809-TC-T.
Other names: c.1660del, p.Arg554fs (NM_001172745.3, NM_032985.6, NM_032986.5); c.1606del, p.Arg536fs (NM_001172746.3); short protein forms R536fs, R554fs.
Identifiers: ClinVar variation 2433272 (VCV002433272.6), dbSNP rs781770571, ClinGen allele CA9778437.